The following is an entry in ClinVar:

ClinVar aggregate classification (germline): Uncertain significance (1 of 4 stars; one submission).

Submission:

Labcorp Genetics (formerly Invitae), Labcorp
Classification: Uncertain significance. Last evaluated: 2024-11-21. Review status: criteria provided, single submitter. Criteria: Invitae Variant Classification Sherloc (09022015). Collection method: clinical testing. Allele origin: germline.
Comment: This sequence change creates a premature translational stop signal (p.Asn564Ilefs*14) in the MBD4 gene. While this is not anticipated to result in nonsense mediated decay, it is expected to disrupt the last 17 amino acid(s) of the MBD4 protein. This variant is not present in population databases (gnomAD no frequency). This variant has not been reported in the literature in individuals affected with MBD4-related conditions. Experimental studies and prediction algorithms are not available or were not evaluated, and the functional significance of this variant is currently unknown. In summary, the available evidence is currently insufficient to determine the role of this variant in disease. Therefore, it has been classified as a Variant of Uncertain Significance.

NM_001276270.2(MBD4):c.1673del (p.Asn558fs)

Gene: MBD4 (methyl-CpG binding domain 4, DNA glycosylase; minus strand). Cytogenetic location: 3q21.3.
Variant type: Deletion.
Coding change: c.1673del on transcript NM_001276270.2 (MANE Select); coding-DNA position 1673, one base deleted (A; older notation c.1673delA).
Protein change: p.Asn558fs; shifts the reading frame from asparagine 558.
Molecular consequence: frameshift variant. On other transcripts: 3 prime UTR variant (1).
Genome position (GRCh38, 1-based): chr3:129,431,553, T deleted on the plus strand (A on the coding strand, the reverse complement: MBD4 is on the minus strand); the first of 3 consecutive T bases (chr3:129,431,553-129,431,555); deleting any one gives the same sequence. VCF-style (leftmost placement, unchanged base first): chr3-129431552-AT-A. GRCh37 (hg19) VCF-style: chr3-129150395-AT-A.
Other names: c.*15del (NM_001276272.2); c.737del, p.Asn246fs (NM_001276273.2); c.1691del, p.Asn564fs (NM_003925.3); short protein forms N246fs, N558fs, N564fs.
Identifiers: ClinVar variation 3725752 (VCV003725752.2).